The following is an entry in ClinVar:

ClinVar aggregate classification (germline): Uncertain significance (1 of 4 stars; one submission).

Conditions:
Hereditary spastic paraplegia 2 (SPG2). Also called: Spastic Paraplegia 2 (SPG2); SPASTIC PARAPLEGIA 2, X-LINKED. Identifiers: Orphanet 99015, MedGen C0751604, MONDO:0010733, OMIM 312920.

Submission:

Labcorp Genetics (formerly Invitae), Labcorp
Classification: Uncertain significance for Hereditary spastic paraplegia 2. Last evaluated: 2025-01-13. Review status: criteria provided, single submitter. Criteria: Invitae Variant Classification Sherloc (09022015). Collection method: clinical testing. Allele origin: germline.
Comment: This sequence change replaces valine, which is neutral and non-polar, with glutamic acid, which is acidic and polar, at codon 245 of the PLP1 protein (p.Val245Glu). This variant is not present in population databases (gnomAD no frequency). This variant has not been reported in the literature in individuals affected with PLP1-related conditions. ClinVar contains an entry for this variant (Variation ID: 1502635). Invitae Evidence Modeling of protein sequence and biophysical properties (such as structural, functional, and spatial information, amino acid conservation, physicochemical variation, residue mobility, and thermodynamic stability) indicates that this missense variant is not expected to disrupt PLP1 protein function with a negative predictive value of 80%. In summary, the available evidence is currently insufficient to determine the role of this variant in disease. Therefore, it has been classified as a Variant of Uncertain Significance.

NM_000533.5(PLP1):c.734T>A (p.Val245Glu)

Genes: PLP1 (proteolipid protein 1; plus strand), RAB9B (RAB9B, member RAS oncogene family; minus strand). Cytogenetic location: Xq22.2.
Variant type: single nucleotide variant.
Coding change: c.734T>A on transcript NM_000533.5 (MANE Select); coding-DNA position 734, T replaced by A.
Protein change: p.Val245Glu; replaces valine 245 with glutamic acid.
Molecular consequence: missense variant.
Genome position (GRCh38, 1-based): chrX:103,789,370, T>A. VCF-style: chrX-103789370-T-A. GRCh37 (hg19) VCF-style: chrX-103044299-T-A.
Other names: c.734T>A, p.Val245Glu (NM_001128834.3); c.569T>A, p.Val190Glu (NM_001305004.1); c.629T>A, p.Val210Glu (NM_199478.3); short protein forms V190E, V245E, V210E.
Identifiers: ClinVar variation 1502635 (VCV001502635.8), dbSNP rs2147768009, ClinGen allele CA414104631.
Genomic context (GRCh38, chrX:103,789,370, plus strand): 5'-CTTCCTCTTTCATTTTCCTGCAGTTCCAAATGACCTTCCACCTGTTTATTGCTGCATTTG[T>A]GGGGGCTGCAGCTACACTGGTTTCCCTGGTGAGTTGACTTTGAATGATCTTGGCAAGTAA-3'
Protein context (NP_000524.3, residues 235-255): MTFHLFIAAF[Val245Glu]GAAATLVSLL